The following is an entry in ClinVar:

ClinVar aggregate classification (germline): Likely benign. Review status: criteria provided, multiple submitters, no conflicts (2 of 4 stars). 4 submissions from 4 submitters: Likely benign (3). 1 of the submissions does not count toward it. Last evaluated 2026-03-27.

Conditions:
Cardiovascular phenotype. Identifiers: MedGen CN230736.
MYBPC3-related disorder. Also called: MYBPC3-related condition; MYBPC3-related disease; MYBPC3-related disorders.
Hypertrophic cardiomyopathy. Also called: HYPERTROPHIC MYOCARDIOPATHY. Identifiers: Orphanet 217569, MedGen C0007194, MeSH D002312, MONDO:0005045, HP:0001639.

Allele frequency attached by ClinVar (database versions not stated): gnomAD exomes 0.00001.
gnomAD v4.1: 4 of 1,587,292 alleles (0.00025%); highest among the groups gnomAD compares: Non-Finnish European, 0.00026%; no homozygotes.

Submissions (4):

Molecular Diagnostic Laboratory for Inherited Cardiovascular Disease, Montreal Heart Institute
Classification: Likely benign. Last evaluated: 2026-03-27. Review status: criteria provided, single submitter. Criteria: ACMG Guidelines, 2015. Collection method: clinical testing. Allele origin: germline. Affected: no.

Labcorp Genetics (formerly Invitae), Labcorp
Classification: Likely benign for Hypertrophic cardiomyopathy. Last evaluated: 2025-11-11. Review status: criteria provided, single submitter. Criteria: Invitae Variant Classification Sherloc (09022015). Collection method: clinical testing. Allele origin: germline.

Ambry Genetics
Classification: Likely benign for Cardiovascular phenotype. Last evaluated: 2024-11-13. Review status: criteria provided, single submitter. Criteria: Ambry Variant Classification Scheme 2023. Collection method: clinical testing. Allele origin: germline.

PreventionGenetics, part of Exact Sciences
Classification: Likely benign for MYBPC3-related condition. Last evaluated: 2024-09-12. Review status: no assertion criteria provided. Collection method: clinical testing. Allele origin: germline. Not counted in ClinVar's aggregate classification.
Comment: This variant is classified as likely benign based on ACMG/AMP sequence variant interpretation guidelines (Richards et al. 2015 PMID: 25741868, with internal and published modifications).

NM_000256.3(MYBPC3):c.39C>T (p.Ser13=)

Gene: MYBPC3 (myosin binding protein C3; minus strand). Cytogenetic location: 11p11.2.
Variant type: single nucleotide variant.
Coding change: c.39C>T on transcript NM_000256.3 (MANE Select); coding-DNA position 39, C replaced by T.
Protein change: p.Ser13=; no amino-acid change (serine 13 retained).
Molecular consequence: synonymous variant.
Genome position (GRCh38, 1-based): chr11:47,351,492, G>A on the plus strand (C>T on the coding strand, the complement: MYBPC3 is on the minus strand). VCF-style: chr11-47351492-G-A. GRCh37 (hg19) VCF-style: chr11-47373043-G-A.
Other names: c.39C>T, p.Ser13= (LRG_386t1).
Identifiers: ClinVar variation 574990 (VCV000574990.11), dbSNP rs730880136, ClinGen allele CA474429930.